The following is an entry in ClinVar:

ClinVar aggregate classification (germline): Conflicting classifications of pathogenicity. Review status: criteria provided, conflicting classifications (1 of 4 stars). 3 submissions from 3 submitters: Uncertain significance (1); Likely benign (2). Last evaluated 2025-12-23.

Conditions:
Hereditary breast ovarian cancer syndrome. Also called: Hereditary breast and ovarian cancer; Breast and ovarian cancer; BRCA1- and BRCA2-Associated Hereditary Breast and Ovarian Cancer; Hereditary breast and ovarian cancer syndrome (HBOC); Hereditary breast and/or ovarian cancer syndrome; Hereditary breast and ovarian cancer syndrome. Identifiers: Orphanet 145, MedGen C0677776, MeSH D061325, MONDO:0003582. Disease mechanism: loss of function.
Hereditary cancer-predisposing syndrome. Also called: Tumor predisposition; Hereditary neoplastic syndrome; Hereditary Cancer Syndrome; Neoplastic Syndromes, Hereditary. Identifiers: Orphanet 140162, MedGen C0027672, MeSH D009386, MONDO:0015356.

Allele frequency attached by ClinVar (database versions not stated): gnomAD exomes below 0.00001; ExAC 0.00001.

Submissions (3):

Ambry Genetics
Classification: Likely benign for Hereditary cancer-predisposing syndrome. Last evaluated: 2025-12-23. Review status: criteria provided, single submitter. Criteria: Ambry Variant Classification Scheme 2023. Collection method: clinical testing. Allele origin: germline.

University of Washington Department of Laboratory Medicine, University of Washington
Classification: Likely benign for Hereditary cancer-predisposing syndrome. Last evaluated: 2023-03-23. Review status: criteria provided, single submitter. Criteria: Dines et al. (Genet Med. 2020). Collection method: curation. Allele origin: germline.
Comment: Missense variant in a coldspot region where missense variants are very unlikely to be pathogenic (PMID:31911673).

BRCA2 exon 10 coldspot. Reclassification based on statistical prior probability.

Labcorp Genetics (formerly Invitae), Labcorp
Classification: Uncertain significance for Hereditary breast ovarian cancer syndrome. Last evaluated: 2019-05-22. Review status: criteria provided, single submitter. Criteria: Invitae Variant Classification Sherloc (09022015). Collection method: clinical testing. Allele origin: germline.
Comment: This variant is present in population databases (rs768605944, ExAC 0.006%). This sequence change replaces histidine with tyrosine at codon 282 of the BRCA2 protein (p.His282Tyr). The histidine residue is weakly conserved and there is a moderate physicochemical difference between histidine and tyrosine. In summary, the available evidence is currently insufficient to determine the role of this variant in disease. Therefore, it has been classified as a Variant of Uncertain Significance. Algorithms developed to predict the effect of missense changes on protein structure and function output the following: SIFT: "Tolerated"; PolyPhen-2: "Benign"; Align-GVGD: "Class C0". The tyrosine amino acid residue is found in multiple mammalian species, suggesting that this missense change does not adversely affect protein function. These predictions have not been confirmed by published functional studies and their clinical significance is uncertain. This variant has not been reported in the literature in individuals with BRCA2-related conditions.

NM_000059.4(BRCA2):c.844C>T (p.His282Tyr)

Gene: BRCA2 (BRCA2 DNA repair associated; plus strand). Cytogenetic location: 13q13.1.
Variant type: single nucleotide variant.
Coding change: c.844C>T on transcript NM_000059.4 (MANE Select); coding-DNA position 844, C replaced by T.
Protein change: p.His282Tyr; replaces histidine 282 with tyrosine.
Molecular consequence: missense variant.
Genome position (GRCh38, 1-based): chr13:32,332,322, C>T. VCF-style: chr13-32332322-C-T. GRCh37 (hg19) VCF-style: chr13-32906459-C-T.
Other names: short protein forms H282Y.
Identifiers: ClinVar variation 947425 (VCV000947425.12), dbSNP rs768605944, ClinGen allele CA6940469.